The following is an entry in ClinVar:

ClinVar aggregate classification (germline): Uncertain significance. Review status: criteria provided, multiple submitters, no conflicts (2 of 4 stars). 9 submissions from 9 submitters: Uncertain significance (9). Last evaluated 2026-07-29.

Conditions:
Inborn genetic diseases. Identifiers: MedGen C0950123, MeSH D030342.
LARS2-related disorder. Also called: LARS2-related condition.
Perrault syndrome 4 (PRLTS4). Identifiers: Orphanet 2855, MedGen C3809105, MONDO:0014126, OMIM 615300.

Allele frequency attached by ClinVar (database versions not stated): ESP Exome Variant Server 0.00008; gnomAD 0.00015 and 0.00021; gnomAD exomes 0.00019 and 0.00027; TOPMed 0.00021; 1000 Genomes Project 30x 0.00031; ExAC 0.00031; 1000 Genomes Project 0.00040.
gnomAD v4.1: 321 of 1,613,854 alleles (0.02%); highest among the groups gnomAD compares: Middle Eastern, 0.56%; 1 homozygote.

Submissions (9):

PreventionGenetics, part of Exact Sciences
Classification: Uncertain significance for LARS2-related condition. Last evaluated: 2026-07-29. Review status: criteria provided, single submitter. Criteria: ACMG Guidelines, 2015. Collection method: clinical testing. Allele origin: germline.
Comment: The LARS2 c.2620G>A variant is predicted to result in the amino acid substitution p.Glu874Lys. This variant was reported in an individual with hearing loss without information on a second potentially causative variant (Table S10, El Naofal et al. 2023. PubMed ID: 36703223). This variant is reported in 0.069% of alleles in individuals of South Asian descent in gnomAD. At this time, the clinical significance of this variant is uncertain due to the absence of conclusive functional and genetic evidence.

GeneDx
Classification: Uncertain significance. Last evaluated: 2026-06-27. Review status: criteria provided, single submitter. Criteria: GeneDx Variant Classification Process June 2021. Collection method: clinical testing. Allele origin: germline.
Comment: In silico analysis supports that this missense variant has a deleterious effect on protein structure/function; This variant is associated with the following publications: (PMID: 23541342, 36703223)

Blueprint Genetics
Classification: Uncertain significance. Last evaluated: 2024-09-12. Review status: criteria provided, single submitter. Criteria: ACMG Guidelines, 2015. Collection method: clinical testing. Allele origin: germline.

CeGaT Center for Human Genetics Tuebingen
Classification: Uncertain significance. Last evaluated: 2023-09-01. Review status: criteria provided, single submitter. Criteria: CeGaT Center For Human Genetics Tuebingen Variant Classification Criteria Version 2. Collection method: clinical testing. Allele origin: germline. Affected: yes. Observed: 2 variant alleles.

Labcorp Genetics (formerly Invitae), Labcorp
Classification: Uncertain significance. Last evaluated: 2022-07-19. Review status: criteria provided, single submitter. Criteria: Invitae Variant Classification Sherloc (09022015). Collection method: clinical testing. Allele origin: germline.
Comment: This sequence change replaces glutamic acid, which is acidic and polar, with lysine, which is basic and polar, at codon 874 of the LARS2 protein (p.Glu874Lys). This variant is present in population databases (rs142215302, gnomAD 0.07%). This variant has not been reported in the literature in individuals affected with LARS2-related conditions. ClinVar contains an entry for this variant (Variation ID: 228791). Algorithms developed to predict the effect of missense changes on protein structure and function (SIFT, PolyPhen-2, Align-GVGD) all suggest that this variant is likely to be tolerated. In summary, the available evidence is currently insufficient to determine the role of this variant in disease. Therefore, it has been classified as a Variant of Uncertain Significance.

Ambry Genetics
Classification: Uncertain significance for Inborn genetic diseases. Last evaluated: 2020-11-20. Review status: criteria provided, single submitter. Criteria: Ambry Variant Classification Scheme 2023. Collection method: clinical testing. Allele origin: germline.

Dubai Health Genomic Medicine Center, Dubai Health
Classification: Uncertain significance for Perrault syndrome 4. Last evaluated: 2020-02-11. Review status: criteria provided, single submitter. Criteria: ACMG Guidelines, 2015. Collection method: clinical testing. Allele origin: germline. Affected: yes.
Comment: The p.Glu874Lys variant in LARS2 has been previously reported by one clinical lab in 1 individual with hearing loss gonadal dysgenesis and renal insufficiency (ClinVar Accession: SCV000271906.2). It has also been identified in 0.069% (21/30554 0 homozygotes) of South Asian alleles by the Genome Aggregation Database (gnomAD). Computational prediction tools and conservation analysis suggest that this variant may not impact the protein though this information is not predictive enough to rule out pathogenicity. In summary more information is needed to determine the clinical significance of this variant.

Laboratory for Molecular Medicine, Mass General Brigham Personalized Medicine
Classification: Uncertain significance. Last evaluated: 2018-12-13. Review status: criteria provided, single submitter. Criteria: LMM Criteria. Collection method: clinical testing. Allele origin: germline. Observed: 2 variant alleles.
Comment: The p.Glu874Lys variant in LARS2 has been previously reported in 1 individual wi th hearing loss, gonadal dysgenesis and renal insufficiency. It has also been id entified in 0.068% (21/30554) of South Asian chromosomes by gnomAD. Computational prediction tools and conservation analysis suggest that this variant may not impact the protein, though this information is not predictive enough to rule out pathogenicity. In summary, the clinical signi ficance of this variant is uncertain. ACMG/AMP Criteria applied: BP4, PM2_Suppor ting.

Breakthrough Genomics
Classification: Uncertain significance. Review status: criteria provided, single submitter. Criteria: ACMG Guidelines, 2015. Collection method: not provided. Allele origin: germline. Inheritance: Autosomal recessive inheritance. Affected: yes.

Literature cited by the submitters: PubMed 23541342 (cited by Laboratory for Molecular Medicine, Mass General Brigham Personalized Medicine).

NM_015340.4(LARS2):c.2620G>A (p.Glu874Lys)

Gene: LARS2 (leucyl-tRNA synthetase 2, mitochondrial; plus strand). Cytogenetic location: 3p21.31.
Variant type: single nucleotide variant.
Coding change: c.2620G>A on transcript NM_015340.4 (MANE Select); coding-DNA position 2620, G replaced by A.
Protein change: p.Glu874Lys; replaces glutamic acid 874 with lysine.
Molecular consequence: missense variant.
Genome position (GRCh38, 1-based): chr3:45,547,438, G>A. VCF-style: chr3-45547438-G-A. GRCh37 (hg19) VCF-style: chr3-45588930-G-A.
Other names: c.2620G>A, p.Glu874Lys (NM_001368263.1); short protein forms E874K.
Identifiers: ClinVar variation 228791 (VCV000228791.37), dbSNP rs142215302, ClinGen allele CA2349957.
Genomic context (GRCh38, chr3:45,547,438, plus strand): 5'-CCTGTGCCCCAACAAGTTGCCCGGGACCAGGACAAAGTCCACGAATTTGTTCTTCAAAGC[G>A]AGCTGGGTGTCAGGCTTTTGCAAGGACGAAGCATCAAGAAGTCCTTCCTTTCCCCGAGAA-3'
Protein context (NP_056155.1, residues 864-884): DKVHEFVLQS[Glu874Lys]LGVRLLQGRS